The following is an entry in ClinVar:

NM_007373.4(SHOC2):c.*773G>A

Gene: SHOC2 (SHOC2 leucine rich repeat scaffold protein; plus strand). Cytogenetic location: 10q25.2.
Variant type: single nucleotide variant.
Coding change: c.*773G>A on transcript NM_007373.4 (MANE Select); 773 bases downstream of the stop codon, G replaced by A.
Molecular consequence: 3 prime UTR variant. On other transcripts: non-coding transcript variant (1).
Genome position (GRCh38, 1-based): chr10:111,012,591, G>A. VCF-style: chr10-111012591-G-A. GRCh37 (hg19) VCF-style: chr10-112772349-G-A.
Other names: c.*773G>A (NM_001269039.3, NM_001324336.2, NM_001324337.2).
Identifiers: ClinVar variation 298873 (VCV000298873.5), dbSNP rs114628508, ClinGen allele CA10628063.

ClinVar aggregate classification (germline): Benign (1 of 4 stars; one submission).

Conditions:
Noonan syndrome-like disorder with loose anagen hair 1 (NSLH1). Also called: MAZZANTI SYNDROME; TOSTI SYNDROME. Identifiers: Orphanet 2701, MedGen C4478716, MONDO:0054637, OMIM 607721.

Allele frequency attached by ClinVar (database versions not stated): 1000 Genomes Project 0.00579; 1000 Genomes Project 30x 0.00593; gnomAD 0.00657 and 0.00719; TOPMed 0.00766.

Submission:

Illumina Laboratory Services, Illumina
Classification: Benign for Noonan syndrome-like disorder with loose anagen hair 1. Last evaluated: 2018-01-13. Review status: criteria provided, single submitter. Criteria: ICSL Variant Classification Criteria 13 December 2019. Collection method: clinical testing. Allele origin: germline.
Comment: This variant was observed in the ICSL laboratory as part of a predisposition screen in an ostensibly healthy population. It had not been previously curated by ICSL or reported in the Human Gene Mutation Database (HGMD: prior to June 1st, 2018), and was therefore a candidate for classification through an automated scoring system. Utilizing variant allele frequency, disease prevalence and penetrance estimates, and inheritance mode, an automated score was calculated to assess if this variant is too frequent to cause the disease. Based on the score and internal cut-off values, a variant classified as benign is not then subjected to further curation. The score for this variant resulted in a classification of benign for this disease.